The following is an entry in ClinVar:

ClinVar aggregate classification (germline): Uncertain significance (1 of 4 stars; one submission).

Conditions:
Mucopolysaccharidosis, MPS-III-A (MPS3A). Also called: HEPARAN SULFATE SULFATASE DEFICIENCY; SANFILIPPO SYNDROME A; SULFAMIDASE DEFICIENCY; MPS III A; Mucopolysaccharidosis type IIIA (Sanfilippo A); Mucopolysaccharidosis, type IIIA. Identifiers: Orphanet 581, Orphanet 79269, MedGen C0086647, MONDO:0009655, OMIM 252900.

Allele frequency attached by ClinVar (database versions not stated): gnomAD exomes below 0.00001; TOPMed 0.00001.

Submission:

Labcorp Genetics (formerly Invitae), Labcorp
Classification: Uncertain significance for Mucopolysaccharidosis, MPS-III-A. Last evaluated: 2022-10-25. Review status: criteria provided, single submitter. Criteria: Invitae Variant Classification Sherloc (09022015). Collection method: clinical testing. Allele origin: germline.
Comment: This sequence change replaces valine, which is neutral and non-polar, with isoleucine, which is neutral and non-polar, at codon 262 of the SGSH protein (p.Val262Ile). This variant is present in population databases (no rsID available, gnomAD 0.003%). This variant has not been reported in the literature in individuals affected with SGSH-related conditions. Algorithms developed to predict the effect of missense changes on protein structure and function output the following: SIFT: "Tolerated"; PolyPhen-2: "Benign"; Align-GVGD: "Class C0". The isoleucine amino acid residue is found in multiple mammalian species, which suggests that this missense change does not adversely affect protein function. In summary, the available evidence is currently insufficient to determine the role of this variant in disease. Therefore, it has been classified as a Variant of Uncertain Significance.

NM_000199.5(SGSH):c.784G>A (p.Val262Ile)

Gene: SGSH (N-sulfoglucosamine sulfohydrolase; minus strand). Cytogenetic location: 17q25.3.
Variant type: single nucleotide variant.
Coding change: c.784G>A on transcript NM_000199.5 (MANE Select); coding-DNA position 784, G replaced by A.
Protein change: p.Val262Ile; replaces valine 262 with isoleucine.
Molecular consequence: missense variant. On other transcripts: non-coding transcript variant (1).
Genome position (GRCh38, 1-based): chr17:80,212,236, C>T on the plus strand (G>A on the coding strand, the complement: SGSH is on the minus strand). VCF-style: chr17-80212236-C-T. GRCh37 (hg19) VCF-style: chr17-78186035-C-T.
Other names: c.784G>A, p.Val262Ile (NM_001352921.3, NM_001352922.2); short protein forms V262I.
Identifiers: ClinVar variation 1978940 (VCV001978940.1), dbSNP rs1306511380, ClinGen allele CA401360049.
Genomic context (GRCh38, chr17:80,212,236, plus strand): 5'-TGCCGCTGGGGAAGGGGATCCCGTTGTCGGACGTGAAGATCACCAGTGTGTCGTTCAGGA[C>T]ACCGGCGTCACGCAGCTCCTGGAGCACCAGTCCAACTCCTGTGGTGAGGGGCCGAGAAGC-3'
Protein context (NP_000190.1, residues 252-272): LVLQELRDAG[Val262Ile]LNDTLVIFTS